The following is an entry in ClinVar:

NC_000023.11:g.(?_31773950)_(31836829_?)del

Gene: DMD (dystrophin; minus strand). Cytogenetic location: Xp21.1.
Variant type: Deletion.
Identifiers: ClinVar variation 832846 (VCV000832846.1).

ClinVar aggregate classification (germline): Pathogenic (1 of 4 stars; one submission).

Conditions:
Duchenne muscular dystrophy (DMD). Also called: Duchenne Muscular Dystrophy (DMD); MUSCULAR DYSTROPHY, PSEUDOHYPERTROPHIC PROGRESSIVE, DUCHENNE TYPE. Identifiers: Orphanet 98896, MedGen C0013264, MONDO:0010679, OMIM 310200.

Submission:

Labcorp Genetics (formerly Invitae), Labcorp
Classification: Pathogenic for Duchenne muscular dystrophy. Last evaluated: 2019-12-27. Review status: criteria provided, single submitter. Criteria: Invitae Variant Classification Sherloc (09022015). Collection method: clinical testing. Allele origin: germline.
Comment: This variant is an in-frame deletion of the genomic region encompassing exons 49-51 of the DMD gene. It preserves the integrity of the reading frame. This variant is not present in population databases (ExAC no frequency). This variant has been reported in two individuals affected with muscular dystrophy (PMID: 9470882, 9619643), as well as in several individuals with dilated cardiomyopathy (PMID: 9470882, 20031633, Invitae). For these reasons, this variant has been classified as Pathogenic.

Literature cited by the submitters: PubMed 9619643; PubMed 20031633; PubMed 9470882.